The following is an entry in ClinVar:

ClinVar aggregate classification (germline): Pathogenic. Review status: criteria provided, multiple submitters, no conflicts (2 of 4 stars). 6 submissions from 6 submitters: Pathogenic (6). Last evaluated 2023-11-08.

Conditions:
Cardiovascular phenotype. Identifiers: MedGen CN230736.
Cardiomyopathy (CMYO). Also called: Cardiomyopathies. Identifiers: Orphanet 167848, MedGen C0878544, MONDO:0004994, HP:0001638. Inheritance: Various modes of inheritance.
Hypertrophic cardiomyopathy 4. Also called: Familial hypertrophic cardiomyopathy 4. Identifiers: MedGen C1861862, MONDO:0007268, OMIM 115197.
Hypertrophic cardiomyopathy. Also called: HYPERTROPHIC MYOCARDIOPATHY. Identifiers: Orphanet 217569, MedGen C0007194, MeSH D002312, MONDO:0005045, HP:0001639.

Submissions (6):

Labcorp Genetics (formerly Invitae), Labcorp
Classification: Pathogenic for Hypertrophic cardiomyopathy. Last evaluated: 2023-11-08. Review status: criteria provided, single submitter. Criteria: Invitae Variant Classification Sherloc (09022015). Collection method: clinical testing. Allele origin: germline.
Comment: This sequence change creates a premature translational stop signal (p.Leu460Trpfs*6) in the MYBPC3 gene. It is expected to result in an absent or disrupted protein product. Loss-of-function variants in MYBPC3 are known to be pathogenic (PMID: 19574547). This variant is not present in population databases (gnomAD no frequency). This premature translational stop signal has been observed in individuals with hypertrophic cardiomyopathy (PMID: 21165360, 23283745, 23711808, 26090888). It has also been observed to segregate with disease in related individuals. This variant is also known as Pro459fs. ClinVar contains an entry for this variant (Variation ID: 188548). For these reasons, this variant has been classified as Pathogenic.

Ambry Genetics
Classification: Pathogenic for Cardiovascular phenotype. Last evaluated: 2022-12-23. Review status: criteria provided, single submitter. Criteria: Ambry Variant Classification Scheme 2023. Collection method: clinical testing. Allele origin: germline.
Comment: The c.1377delC pathogenic mutation, located in coding exon 16 of the MYBPC3 gene, results from a deletion of one nucleotide at nucleotide position 1377, causing a translational frameshift with a predicted alternate stop codon (p.L460Wfs*6). This variant (also referred to as Pro459fs) has been detected in several individuals reported to have hypertrophic cardiomyopathy (HCM) and has been reported to segregate with disease in families (Lin J et al. Can J Cardiol, 2010 Dec;26:518-22; Zou Y et al. Mol Biol Rep, 2013 Jun;40:3969-76; Liu X et al. Sci Rep, 2015 Jun;5:11411; Helms AS et al. Circ Genom Precis Med, 2020 Oct;13:396-405; Wu G et al. Circ Genom Precis Med, 2021 Oct;14:e003401; Wang Y et al. Stem Cell Res, 2021 Nov;57:102594; Liu W et al. Clin Chim Acta, 2021 Sep;520:43-52). This variant is considered to be rare based on population cohorts in the Genome Aggregation Database (gnomAD). In addition to the clinical data presented in the literature, this alteration is expected to result in loss of function by premature protein truncation or nonsense-mediated mRNA decay. As such, this alteration is interpreted as a disease-causing mutation.

Molecular Diagnostic Laboratory for Inherited Cardiovascular Disease, Montreal Heart Institute
Classification: Pathogenic for Cardiovascular phenotype. Last evaluated: 2022-04-25. Review status: criteria provided, single submitter. Criteria: ACMG Guidelines, 2015. Collection method: clinical testing. Allele origin: germline. Affected: yes.

Color Diagnostics, LLC DBA Color Health
Classification: Pathogenic for Cardiomyopathy. Last evaluated: 2021-06-07. Review status: criteria provided, single submitter. Criteria: ACMG Guidelines, 2015. Collection method: clinical testing. Allele origin: germline.
Comment: This variant (also known as Pro459fs) results in the deletion of 1 nucleotide in exon 15 of the MYBPC3 gene, creating a frameshift and premature translation stop signal. This variant is expected to result in an absent or non-functional protein product. To our knowledge, functional assays have not been performed for this variant. This variant has been reported in seven Chinese individuals affected with hypertrophic cardiomyopathy (PMID: 21165360, 23283745, 23711808, 26090888). This variant has not been identified in the general population by the Genome Aggregation Database (gnomAD). Loss of MYBPC3 function is a known mechanism of disease. Based on available evidence, this variant is classified as Pathogenic.

GeneDx
Classification: Pathogenic. Last evaluated: 2017-08-03. Review status: criteria provided, single submitter. Criteria: GeneDx Variant Classification (06012015). Collection method: clinical testing. Allele origin: germline. Affected: yes.
Comment: The c.1377delC pathogenic variant, also denoted as P459fs due to alternate nomenclature, has been previously reported in six unrelated individuals with HCM, and five of these individuals were noted to be of Chinese ancestry (Lin et al., 2010; Zou et al., 2013; Liu et al., 2015; Walsh et al., 2017). It has also has been shown to segregate with HCM in one affected relative from one family (Lin et al., 2010). Additionally, c.1377delC is classified as a likely pathogenic variant in ClinVar by a different clinical laboratory in association with HCM (ClinVar SCV000219705.2 ; Landrum et al., 2016). This variant causes a shift in reading frame starting at codon leucine 460, changing it to a tryptophan, and creating a premature stop codon at position 6 of the new reading frame, denoted p.Leu460TrpfsX6. This pathogenic variant is expected to result in either an abnormal, truncated protein product or loss of protein from this allele through nonsense-mediated mRNA decay. Furthermore, multiple other frameshift variants in the MYBPC3 gene have been reported in the Human Gene Mutation Database in association with HCM (Stenson et al., 2014). Finally, the c.1377delC variant has not been observed in large population cohorts (Lek et al., 2016; 1000 Genomes Consortium et al., 2015; Exome Variant Server).

Juno Genomics, Hangzhou Juno Genomics, Inc
Classification: Pathogenic for Hypertrophic cardiomyopathy 4. Review status: criteria provided, single submitter. Criteria: ACMG Guidelines, 2015. Collection method: clinical testing. Allele origin: germline. Affected: yes.
Comment: Absent from controls (or at extremely low frequency if recessive) in Genome Aggregation Database, Exome Sequencing Project, 1000 Genomes Project, or Exome Aggregation Consortium.;Null variant in a gene where loss of function (LOF) is a known mechanism of disease.;The prevalence of the variant in affected individuals is significantly increased compared to the prevalence in controls.

Literature cited by the submitters: PubMed 19574547 (cited by Labcorp Genetics (formerly Invitae), Labcorp); PubMed 21165360 (cited by Labcorp Genetics (formerly Invitae), Labcorp and Ambry Genetics); PubMed 23283745 (cited by Labcorp Genetics (formerly Invitae), Labcorp and Ambry Genetics); PubMed 23711808 (cited by Labcorp Genetics (formerly Invitae), Labcorp); PubMed 26090888 (cited by Labcorp Genetics (formerly Invitae), Labcorp and Ambry Genetics); PubMed 32841044 (cited by Ambry Genetics); PubMed 34087240 (cited by Ambry Genetics); PubMed 34601892 (cited by Ambry Genetics); PubMed 34785479 (cited by Ambry Genetics).

NM_000256.3(MYBPC3):c.1377del (p.Leu460fs)

Gene: MYBPC3 (myosin binding protein C3; minus strand). Cytogenetic location: 11p11.2.
Variant type: Deletion.
Coding change: c.1377del on transcript NM_000256.3 (MANE Select); coding-DNA position 1377, one base deleted (C; older notation c.1377delC).
Protein change: p.Leu460fs; shifts the reading frame from leucine 460.
Molecular consequence: frameshift variant.
Genome position (GRCh38, 1-based): chr11:47,342,910, G deleted on the plus strand (C on the coding strand, the reverse complement: MYBPC3 is on the minus strand); the first of 4 consecutive G bases (chr11:47,342,910-47,342,913); deleting any one gives the same sequence. VCF-style (leftmost placement, unchanged base first): chr11-47342909-AG-A. GRCh37 (hg19) VCF-style: chr11-47364460-AG-A.
Other names: c.1377del, p.Leu460fs (LRG_386t1); c.1377delC (NM_000256.3); short protein forms L460fs.
Identifiers: ClinVar variation 188548 (VCV000188548.16), dbSNP rs786204339, ClinGen allele CA010213.